The following is an entry in ClinVar:

ClinVar aggregate classification (germline): Likely benign (1 of 4 stars; one submission).

gnomAD v4.1: 5,039 of 1,583,330 alleles (0.32%); highest among the groups gnomAD compares: Non-Finnish European, 0.41%; 15 homozygotes.

Submission:

CeGaT Center for Human Genetics Tuebingen
Classification: Likely benign. Last evaluated: 2025-05-01. Review status: criteria provided, single submitter. Criteria: CeGaT Center For Human Genetics Tuebingen Variant Classification Criteria Version 2. Collection method: clinical testing. Allele origin: germline. Affected: yes. Observed: 1 variant allele.
Comment: MIB2: BS2

NM_001170687.4(MIB2):c.905G>A (p.Arg302His)

Gene: MIB2 (MIB E3 ubiquitin protein ligase 2; plus strand). Cytogenetic location: 1p36.33.
Variant type: single nucleotide variant.
Coding change: c.905G>A on transcript NM_001170687.4 (MANE Select); coding-DNA position 905, G replaced by A.
Protein change: p.Arg302His; replaces arginine 302 with histidine.
Molecular consequence: missense variant. On other transcripts: non-coding transcript variant (1).
Genome position (GRCh38, 1-based): chr1:1,625,586, G>A. VCF-style: chr1-1625586-G-A. GRCh37 (hg19) VCF-style: chr1-1560966-G-A.
Other names: c.893G>A, p.Arg298His (NM_001170686.4); c.710G>A, p.Arg237His (NM_001170688.2, NM_001170689.2); c.905G>A, p.Arg302His (NM_080875.5); short protein forms R237H, R298H, R302H.
Identifiers: ClinVar variation 3904845 (VCV003904845.10).